The following is an entry in ClinVar:

ClinVar aggregate classification (germline): Benign/Likely benign. Review status: criteria provided, multiple submitters, no conflicts (2 of 4 stars). 6 submissions from 6 submitters: Benign (1); Likely benign (5). Last evaluated 2025-12-22.

Conditions:
Hereditary cancer-predisposing syndrome. Also called: Neoplastic Syndromes, Hereditary; Tumor predisposition; Hereditary Cancer Syndrome; Hereditary neoplastic syndrome. Identifiers: Orphanet 140162, MedGen C0027672, MeSH D009386, MONDO:0015356.
Multiple endocrine neoplasia, type 2 (MEN2). Identifiers: Orphanet 653, MedGen C4048306, MONDO:0019003. Disease mechanism: gain of function.
Multiple endocrine neoplasia type 2A. Also called: MULTIPLE ENDOCRINE NEOPLASIA, TYPE IIA; PTC SYNDROME; SIPPLE SYNDROME; MEN 2A; MEN-2A syndrome; Pheochromocytoma and amyloid producing medullary thyroid carcinoma. Identifiers: Orphanet 247698, Orphanet 653, MedGen C0025268, MeSH D018813, MONDO:0008234, OMIM 171400.

Allele frequency attached by ClinVar (database versions not stated): gnomAD 0.00001; gnomAD exomes 0.00001; TOPMed 0.00001; ExAC 0.00002.
gnomAD v4.1: 12 of 1,613,962 alleles (0.00074%); highest among the groups gnomAD compares: African/African-American, 0.0013%; no homozygotes.

Submissions (6):

Labcorp Genetics (formerly Invitae), Labcorp
Classification: Likely benign for Multiple endocrine neoplasia, type 2. Last evaluated: 2025-12-22. Review status: criteria provided, single submitter. Criteria: Invitae Variant Classification Sherloc (09022015). Collection method: clinical testing. Allele origin: germline.

Myriad Genetics, Inc.
Classification: Benign for Multiple endocrine neoplasia type 2A. Last evaluated: 2025-02-27. Review status: criteria provided, single submitter. Criteria: Myriad Autosomal Dominant, Autosomal Recessive and X-Linked Classification Criteria (2023). Collection method: clinical testing. Allele origin: unknown.
Comment: This variant is considered benign. This variant is a silent/synonymous amino acid change and it is not expected to impact splicing.

All of Us Research Program, National Institutes of Health
Classification: Likely benign for Multiple endocrine neoplasia, type 2. Last evaluated: 2023-04-03. Review status: criteria provided, single submitter. Criteria: ACMG Guidelines, 2015. Collection method: clinical testing. Allele origin: germline. Inheritance: Autosomal dominant inheritance. Observed: 1 variant allele, 1 heterozygote.
Comment: This study involves interpretation of variants in research participants for the purpose of population health screening. Participant phenotype was not available at the time of variant classification. Additional details can be found in publication PMID: 35346344, PMCID: PMC8962531

Blueprint Genetics
Classification: Likely benign. Last evaluated: 2022-12-26. Review status: criteria provided, single submitter. Criteria: ACMG Guidelines, 2015. Collection method: clinical testing. Allele origin: germline.

Color Diagnostics, LLC DBA Color Health
Classification: Likely benign for Multiple endocrine neoplasia, type 2. Last evaluated: 2022-09-29. Review status: criteria provided, single submitter. Criteria: ACMG Guidelines, 2015. Collection method: clinical testing. Allele origin: germline.

Ambry Genetics
Classification: Likely benign for Hereditary cancer-predisposing syndrome. Last evaluated: 2017-11-09. Review status: criteria provided, single submitter. Criteria: Ambry Variant Classification Scheme 2023. Collection method: clinical testing. Allele origin: germline.

Literature cited by the submitters: PubMed 21309721 (cited by Ambry Genetics).

NM_020975.6(RET):c.2661G>A (p.Lys887=)

Gene: RET (ret proto-oncogene; plus strand). Cytogenetic location: 10q11.21.
Variant type: single nucleotide variant.
Coding change: c.2661G>A on transcript NM_020975.6 (MANE Select); coding-DNA position 2661, G replaced by A.
Protein change: p.Lys887=; no amino-acid change (lysine 887 retained).
Molecular consequence: synonymous variant.
Genome position (GRCh38, 1-based): chr10:43,120,134, G>A. VCF-style: chr10-43120134-G-A. GRCh37 (hg19) VCF-style: chr10-43615582-G-A.
Other names: c.2661G>A, p.Lys887= (NM_000323.2, NM_001406743.1, NM_001406744.1 and 4 more transcripts); c.1899G>A, p.Lys633= (NM_001355216.2); c.2532G>A, p.Lys844= (NM_001406761.1, NM_001406762.1, NM_001406764.1); c.2526G>A, p.Lys842= (NM_001406763.1, NM_001406765.1); c.2373G>A, p.Lys791= (NM_001406766.1, NM_001406767.1, NM_001406770.1); c.2397G>A, p.Lys799= (NM_001406768.1); c.2265G>A, p.Lys755= (NM_001406769.1, NM_001406772.1); c.2223G>A, p.Lys741= (NM_001406771.1, NM_001406773.1); and 10 more.
Identifiers: ClinVar variation 215912 (VCV000215912.21), dbSNP rs771617878, ClinGen allele CA040326.
Genomic context (GRCh38, chr10:43,120,134, plus strand): 5'-CTCACAGCTCGTTCATCGGGACTTGGCAGCCAGAAACATCCTGGTAGCTGAGGGGCGGAA[G>A]ATGAAGATTTCGGATTTCGGCTTGTCCCGAGATGTTTATGAAGAGGATTCCTACGTGAAG-3'
Protein context (NP_066124.1, residues 877-897): ARNILVAEGR[Lys887=]MKISDFGLSR